The following is an entry in ClinVar:

ClinVar aggregate classification (germline): Pathogenic (1 of 4 stars; one submission).

Conditions:
Inborn genetic diseases. Identifiers: MedGen C0950123, MeSH D030342.

Submission:

Ambry Genetics
Classification: Pathogenic for Inborn genetic diseases. Last evaluated: 2018-09-20. Review status: criteria provided, single submitter. Criteria: Ambry Variant Classification Scheme 2023. Collection method: clinical testing. Allele origin: germline.
Comment: The c.5887delA pathogenic mutation, located in coding exon 40 of the CACNA1A gene, results from a deletion of one nucleotide at nucleotide position 5887, causing a translational frameshift with a predicted alternate stop codon (p.M1963Wfs*56). This alteration is expected to result in loss of function by premature protein truncation or nonsense-mediated mRNA decay. As such, this alteration is interpreted as a disease-causing mutation.

NM_001127222.2(CACNA1A):c.5884del (p.Met1962fs)

Gene: CACNA1A (calcium voltage-gated channel subunit alpha1 A; minus strand). Cytogenetic location: 19p13.13.
Variant type: Deletion.
Coding change: c.5884del on transcript NM_001127222.2 (MANE Select); coding-DNA position 5884, one base deleted (A; older notation c.5884delA).
Protein change: p.Met1962fs; shifts the reading frame from methionine 1962.
Molecular consequence: frameshift variant.
Genome position (GRCh38, 1-based): chr19:13,214,289, T deleted on the plus strand (A on the coding strand, the reverse complement: CACNA1A is on the minus strand). VCF-style (leftmost placement, unchanged base first): chr19-13214288-AT-A. GRCh37 (hg19) VCF-style: chr19-13325102-AT-A.
Other names: c.5902del, p.Met1968fs (NM_000068.4, NM_023035.3); c.5887del, p.Met1963fs (NM_001127221.2); c.5893del, p.Met1965fs (NM_001174080.2); short protein forms M1968fs, M1963fs, M1965fs, M1962fs.
Identifiers: ClinVar variation 1750283 (VCV001750283.2), dbSNP rs2512543709, ClinGen allele CA2580096620.